The following is an entry in ClinVar:

NM_022370.4(ROBO3):c.1668G>A (p.Pro556=)

Gene: ROBO3 (roundabout guidance receptor 3; plus strand). Cytogenetic location: 11q24.2.
Variant type: single nucleotide variant.
Coding change: c.1668G>A on transcript NM_022370.4 (MANE Select); coding-DNA position 1668, G replaced by A.
Protein change: p.Pro556=; no amino-acid change (proline 556 retained).
Molecular consequence: synonymous variant.
Genome position (GRCh38, 1-based): chr11:124,873,746, G>A. VCF-style: chr11-124873746-G-A. GRCh37 (hg19) VCF-style: chr11-124743642-G-A.
Identifiers: ClinVar variation 4984172 (VCV004984172.1).

ClinVar aggregate classification (germline): Likely benign (1 of 4 stars; one submission).

Conditions:
ROBO3-related disorder. Also called: ROBO3-related condition.

gnomAD v4.1: 39 of 1,613,670 alleles (0.0024%); highest among the groups gnomAD compares: African/African-American, 0.0053%; no homozygotes.

Submission:

PreventionGenetics, part of Exact Sciences
Classification: Likely benign for ROBO3-related condition. Last evaluated: 2026-09-22. Review status: criteria provided, single submitter. Criteria: ACMG Guidelines, 2015. Collection method: clinical testing. Allele origin: germline.
Comment: This variant is classified as likely benign based on ACMG/AMP sequence variant interpretation guidelines (Richards et al. 2015 PMID: 25741868, with internal and published modifications).